The following is an entry in ClinVar:

NM_001267550.2(TTN):c.72856G>T (p.Gly24286Ter)

Genes: TTN (titin; minus strand), TTN-AS1 (TTN antisense RNA 1; plus strand). Cytogenetic location: 2q31.2.
Variant type: single nucleotide variant.
Coding change: c.72856G>T on transcript NM_001267550.2 (MANE Select); coding-DNA position 72856, G replaced by T.
Protein change: p.Gly24286Ter; replaces glycine 24286 with a stop codon.
Molecular consequence: nonsense.
Genome position (GRCh38, 1-based): chr2:178,573,276, C>A on the plus strand (G>T on the coding strand, the complement: TTN is on the minus strand). VCF-style: chr2-178573276-C-A. GRCh37 (hg19) VCF-style: chr2-179438003-C-A.
Other names: c.67933G>T, p.Gly22645Ter (NM_001256850.1); c.45661G>T, p.Gly15221Ter (NM_003319.4); c.65152G>T, p.Gly21718Ter (NM_133378.4); c.46036G>T, p.Gly15346Ter (NM_133432.3); c.46237G>T, p.Gly15413Ter (NM_133437.4); short protein forms G15221*, G15346*, G15413*, G21718*, G22645*, G24286*.
Identifiers: ClinVar variation 694545 (VCV000694545.3), dbSNP rs1198682781, ClinGen allele CA349645084.
Genomic context (GRCh38, chr2:178,573,276, plus strand): 5'-TAATTCCAGCAGCATTTTCAGCCATAATCCTGAACTCATATTCATGTCCTTCTGTCAGTC[C>A]AGACACTTTATATCTTAAATCAGTAAGAGTTTTTTTGTTGCATTTAATCCAGCGTTGGCC-3'

ClinVar aggregate classification (germline): Pathogenic. Review status: criteria provided, multiple submitters, no conflicts (2 of 4 stars). 2 submissions from 2 submitters: Pathogenic (2). Last evaluated 2025-04-09.

Conditions:
TTN-related disorder. Also called: TTN-related disorders; TTN-related condition; TTN-related disease.
Hypertrophic cardiomyopathy. Also called: HYPERTROPHIC MYOCARDIOPATHY. Identifiers: Orphanet 217569, MedGen C0007194, MeSH D002312, MONDO:0005045, HP:0001639.

Submissions (2):

PreventionGenetics, part of Exact Sciences
Classification: Pathogenic for TTN-related condition. Last evaluated: 2025-04-09. Review status: criteria provided, single submitter. Criteria: ACMG Guidelines, 2015. Collection method: clinical testing. Allele origin: germline.
Comment: The TTN c.72856G>T variant is predicted to result in premature protein termination (p.Gly24286*). This variant was reported in a large cohort of individuals with cardiomyopathy (supplementary data, reported as c.67933G>T, Al-Shafai et al. 2021. PubMed ID: 34137518). This variant has not been reported in a large population database (gnomAD), indicating this variant is rare. Nonsense variants in TTN are expected to be pathogenic. This variant is interpreted as pathogenic.

Genetics and Genomics Program, Sidra Medicine
Classification: Pathogenic for Hypertrophic cardiomyopathy. Review status: criteria provided, single submitter. Criteria: ACMG Guidelines, 2015. Collection method: research. Allele origin: unknown. Affected: yes. Observed: 1 variant allele.